The following is an entry in ClinVar:

NM_004360.5(CDH1):c.563T>C (p.Val188Ala)

Gene: CDH1 (cadherin 1; plus strand). Cytogenetic location: 16q22.1.
Variant type: single nucleotide variant.
Coding change: c.563T>C on transcript NM_004360.5 (MANE Select); coding-DNA position 563, T replaced by C.
Protein change: p.Val188Ala; replaces valine 188 with alanine.
Molecular consequence: missense variant. On other transcripts: 5 prime UTR variant (2).
Genome position (GRCh38, 1-based): chr16:68,808,724, T>C. VCF-style: chr16-68808724-T-C. GRCh37 (hg19) VCF-style: chr16-68842627-T-C.
Other names: c.563T>C, p.Val188Ala (NM_001317184.2); c.-1053T>C (NM_001317185.2); c.-1257T>C (NM_001317186.2); short protein forms V188A.
Identifiers: ClinVar variation 2119224 (VCV002119224.4), dbSNP rs2152130102, ClinGen allele CA396457909.

ClinVar aggregate classification (germline): Uncertain significance (1 of 4 stars; one submission).

Conditions:
Hereditary diffuse gastric adenocarcinoma (HDGC). Also called: DIFFUSE GASTRIC AND LOBULAR BREAST CANCER SYNDROME. Identifiers: Orphanet 26106, MedGen C1708349, MONDO:0007648, OMIM 137215.

Submission:

Labcorp Genetics (formerly Invitae), Labcorp
Classification: Uncertain significance for Hereditary diffuse gastric adenocarcinoma. Last evaluated: 2022-12-22. Review status: criteria provided, single submitter. Criteria: Invitae Variant Classification Sherloc (09022015). Collection method: clinical testing. Allele origin: germline.
Comment: This variant is not present in population databases (gnomAD no frequency). This variant has not been reported in the literature in individuals affected with CDH1-related conditions. This sequence change replaces valine, which is neutral and non-polar, with alanine, which is neutral and non-polar, at codon 188 of the CDH1 protein (p.Val188Ala). Algorithms developed to predict the effect of missense changes on protein structure and function (SIFT, PolyPhen-2, Align-GVGD) all suggest that this variant is likely to be disruptive. In summary, the available evidence is currently insufficient to determine the role of this variant in disease. Therefore, it has been classified as a Variant of Uncertain Significance.